The following is an entry in ClinVar:

ClinVar aggregate classification (germline): Benign. Review status: criteria provided, single submitter (1 of 4 stars). 4 submissions from 4 submitters: Benign (1). 3 of the submissions do not count toward it. Last evaluated 2025-12-18.

Conditions:
KATNIP-related disorder. Also called: KATNIP-related condition.

Allele frequency attached by ClinVar (database versions not stated): 1000 Genomes Project 30x 0.00125; 1000 Genomes Project 0.00160.
gnomAD v4.1: 587 of 1,596,152 alleles (0.037%); highest among the groups gnomAD compares: South Asian, 0.59%; 6 homozygotes.

Submissions (4):

Labcorp Genetics (formerly Invitae), Labcorp
Classification: Benign. Last evaluated: 2025-12-18. Review status: criteria provided, single submitter. Criteria: Invitae Variant Classification Sherloc (09022015). Collection method: clinical testing. Allele origin: germline.

PreventionGenetics, part of Exact Sciences
Classification: Likely benign for KATNIP-related condition. Last evaluated: 2024-05-20. Review status: no assertion criteria provided. Collection method: clinical testing. Allele origin: germline. Not counted in ClinVar's aggregate classification.
Comment: This variant is classified as likely benign based on ACMG/AMP sequence variant interpretation guidelines (Richards et al. 2015 PMID: 25741868, with internal and published modifications).

Clinical Genetics DNA and cytogenetics Diagnostics Lab, Erasmus MC, Erasmus Medical Center
Classification: Likely benign. Review status: no assertion criteria provided. Collection method: clinical testing. Allele origin: germline. Affected: yes. Study: VKGL Data-share Consensus. Not counted in ClinVar's aggregate classification.

Genome Diagnostics Laboratory, University Medical Center Utrecht
Classification: Likely benign. Review status: no assertion criteria provided. Collection method: clinical testing. Allele origin: germline. Affected: yes. Study: VKGL Data-share Consensus. Not counted in ClinVar's aggregate classification.

NM_015202.5(KATNIP):c.1113+10G>A

Gene: KATNIP (katanin interacting protein; plus strand). Cytogenetic location: 16p12.1.
Variant type: single nucleotide variant.
Coding change: c.1113+10G>A on transcript NM_015202.5 (MANE Select); 10 bases into the intron after coding-DNA position 1113, G replaced by A.
Molecular consequence: intron variant.
Genome position (GRCh38, 1-based): chr16:27,698,510, G>A. VCF-style: chr16-27698510-G-A. GRCh37 (hg19) VCF-style: chr16-27709831-G-A.
Other names: c.1113+10G>A (NM_015202.3).
Identifiers: ClinVar variation 1299816 (VCV001299816.8), dbSNP rs376063239, ClinGen allele CA7977575.